The following is an entry in ClinVar:

NM_139343.3(BIN1):c.363G>C (p.Gln121His)

Gene: BIN1 (bridging integrator 1; minus strand). Cytogenetic location: 2q14.3.
Variant type: single nucleotide variant.
Coding change: c.363G>C on transcript NM_139343.3 (MANE Select); coding-DNA position 363, G replaced by C.
Protein change: p.Gln121His; replaces glutamine 121 with histidine.
Molecular consequence: missense variant.
Genome position (GRCh38, 1-based): chr2:127,070,043, C>G on the plus strand (G>C on the coding strand, the complement: BIN1 is on the minus strand). VCF-style: chr2-127070043-C-G. GRCh37 (hg19) VCF-style: chr2-127827619-C-G.
Other names: c.363G>C, p.Gln121His (NM_001320632.2, NM_001320633.2, NM_001320640.2 and 10 more transcripts); c.291G>C, p.Gln97His (NM_001320634.1); c.282G>C, p.Gln94His (NM_001320642.1); short protein forms Q94H, Q97H, Q121H.
Identifiers: ClinVar variation 3730445 (VCV003730445.3).

ClinVar aggregate classification (germline): Uncertain significance. Review status: criteria provided, multiple submitters, no conflicts (2 of 4 stars). 2 submissions from 2 submitters: Uncertain significance (2). Last evaluated 2025-06-25.

Conditions:
Myopathy, centronuclear, 2 (CNM2). Also called: MYOTUBULAR MYOPATHY, AUTOSOMAL RECESSIVE. Identifiers: Orphanet 169186, MedGen CN031787, MONDO:0009709, OMIM 255200.

gnomAD v4.1: 5 of 1,614,072 alleles (0.00031%); highest among the groups gnomAD compares: Non-Finnish European, 0.00042%; no homozygotes.

Submissions (2):

Revvity Omics, Revvity
Classification: Uncertain significance for Myopathy, centronuclear, 2. Last evaluated: 2025-06-25. Review status: criteria provided, single submitter. Criteria: ACMG Guidelines, 2015. Collection method: clinical testing. Allele origin: germline.

Labcorp Genetics (formerly Invitae), Labcorp
Classification: Uncertain significance for Myopathy, centronuclear, 2. Last evaluated: 2024-07-17. Review status: criteria provided, single submitter. Criteria: Invitae Variant Classification Sherloc (09022015). Collection method: clinical testing. Allele origin: germline.
Comment: This sequence change replaces glutamine, which is neutral and polar, with histidine, which is basic and polar, at codon 121 of the BIN1 protein (p.Gln121His). This variant is present in population databases (rs757907934, gnomAD 0.002%). This variant has not been reported in the literature in individuals affected with BIN1-related conditions. Advanced modeling of protein sequence and biophysical properties (such as structural, functional, and spatial information, amino acid conservation, physicochemical variation, residue mobility, and thermodynamic stability) performed at Invitae indicates that this missense variant is not expected to disrupt BIN1 protein function with a negative predictive value of 80%. In summary, the available evidence is currently insufficient to determine the role of this variant in disease. Therefore, it has been classified as a Variant of Uncertain Significance.